The following is an entry in ClinVar:

NC_000023.11:g.18646096G>T

Genes: CDKL5 (cyclin dependent kinase like 5; plus strand), RS1 (retinoschisin 1; minus strand). Cytogenetic location: Xp22.13.
Variant type: single nucleotide variant.
Molecular consequence: intron variant (on NM_000330.4).
Genome position: GRCh38 VCF-style: chrX-18646096-G-T. GRCh37 (hg19) VCF-style: chrX-18664216-G-T.
Other names: c.2797+6G>T (NM_003159.3, NM_001037343.2); c.326+1095C>A (NM_000330.4).
Identifiers: ClinVar variation 2952939 (VCV002952939.3), dbSNP rs1927760850, ClinGen allele CA2740092052.

ClinVar aggregate classification (germline): Uncertain significance (1 of 4 stars; one submission).

Conditions:
Developmental and epileptic encephalopathy, 2 (DEE2). Also called: INFANTILE SPASM SYNDROME, X-LINKED 2; CDKL5 deficiency disorder. Identifiers: Orphanet 1934, Orphanet 3451, Orphanet 505652, MedGen C4750718, MONDO:0010396, OMIM 300672.
Angelman syndrome-like. Identifiers: MedGen CN128785.

Submission:

Labcorp Genetics (formerly Invitae), Labcorp
Classification: Uncertain significance for Developmental and epileptic encephalopathy, 2; Angelman syndrome-like. Last evaluated: 2024-02-25. Review status: criteria provided, single submitter. Criteria: Invitae Variant Classification Sherloc (09022015). Collection method: clinical testing. Allele origin: germline.
Comment: This sequence change falls in intron 19 of the CDKL5 gene. It does not directly change the encoded amino acid sequence of the CDKL5 protein. It affects a nucleotide within the consensus splice site. This variant is not present in population databases (gnomAD no frequency). This variant has not been reported in the literature in individuals affected with CDKL5-related conditions. Variants that disrupt the consensus splice site are a relatively common cause of aberrant splicing (PMID: 17576681, 9536098). Algorithms developed to predict the effect of sequence changes on RNA splicing suggest that this variant is not likely to affect RNA splicing. In summary, the available evidence is currently insufficient to determine the role of this variant in disease. Therefore, it has been classified as a Variant of Uncertain Significance.

Literature cited by the submitters: PubMed 17576681; PubMed 9536098.